The following is an entry in ClinVar:

NM_001278.5(CHUK):c.1958T>G (p.Leu653Arg)

Gene: CHUK (component of inhibitor of nuclear factor kappa B kinase complex; minus strand). Cytogenetic location: 10q24.31.
Variant type: single nucleotide variant.
Coding change: c.1958T>G on transcript NM_001278.5 (MANE Select); coding-DNA position 1958, T replaced by G.
Protein change: p.Leu653Arg; replaces leucine 653 with arginine.
Molecular consequence: missense variant.
Genome position (GRCh38, 1-based): chr10:100,194,000, A>C on the plus strand (T>G on the coding strand, the complement: CHUK is on the minus strand). VCF-style: chr10-100194000-A-C. GRCh37 (hg19) VCF-style: chr10-101953757-A-C.
Other names: c.1958T>G, p.Leu653Arg (NM_001320928.2); short protein forms L653R.
Identifiers: ClinVar variation 392997 (VCV000392997.2), dbSNP rs1057524734, ClinGen allele CA16605793.
Genomic context (GRCh38, chr10:100,194,000, plus strand): 5'-AGCAACTCAATGTCACATTAAATAATTCATTAATAATTACTTACACAGGCAATTTTAAGG[A>C]GATGCCATATTTCTTTCTGCCTTTTTCCCTGCATGAACATGACAGTATTGTCAGCTTCTT-3'
Protein context (NP_001269.3, residues 643-663): QGKRQKEIWH[Leu653Arg]LKIACTQSSA

ClinVar aggregate classification (germline): Uncertain significance (1 of 4 stars; one submission).

Submission:

GeneDx
Classification: Uncertain significance. Last evaluated: 2017-01-27. Review status: criteria provided, single submitter. Criteria: GeneDx Variant Classification (06012015). Collection method: clinical testing. Allele origin: germline. Affected: yes.
Comment: The L653R variant in the CHUK gene has not been reported previously as a pathogenic variant, nor as a benign variant, to our knowledge. The L653R variant was not observed in approximately 6500 individuals of European and African American ancestry in the NHLBI Exome Sequencing Project, indicating it is not a common benign variant in these populations. The L653R variant is a non-conservative amino acid substitution, which is likely to impact secondary protein structure as these residues differ in polarity, charge, size and/or other properties. This substitution occurs at a position that is conserved across species, and in silico analysis predicts this variant is probably damaging to the protein structure/function. We interpret L653R as a variant of uncertain significance.